The following is an entry in ClinVar:

NM_001270508.2(TNFAIP3):c.987-3C>G

Gene: TNFAIP3 (TNF alpha induced protein 3; plus strand). Cytogenetic location: 6q23.3.
Variant type: single nucleotide variant.
Coding change: c.987-3C>G on transcript NM_001270508.2 (MANE Select); 3 bases into the intron before coding-DNA position 987, C replaced by G.
Molecular consequence: intron variant.
Genome position (GRCh38, 1-based): chr6:137,878,429, C>G. VCF-style: chr6-137878429-C-G. GRCh37 (hg19) VCF-style: chr6-138199566-C-G.
Other names: c.987-3C>G (NM_001270507.2, NM_006290.4).
Identifiers: ClinVar variation 2797506 (VCV002797506.3), dbSNP rs2482749244, ClinGen allele CA2739266187.
Genomic context (GRCh38, chr6:137,878,429, plus strand): 5'-GATGTAAAATCTTGTGTGTGATTTTGTGTATTCTCATACATATTTTTTCCTTTTGGTCTT[C>G]AGGTTGGATGAAGCTAACTTACCAAAAGAAATCAATCTGGTAGATGATTACTTTGAACTT-3'

ClinVar aggregate classification (germline): Uncertain significance (1 of 4 stars; one submission).

Submission:

Labcorp Genetics (formerly Invitae), Labcorp
Classification: Uncertain significance. Last evaluated: 2024-01-31. Review status: criteria provided, single submitter. Criteria: Invitae Variant Classification Sherloc (09022015). Collection method: clinical testing. Allele origin: germline.
Comment: This sequence change falls in intron 6 of the TNFAIP3 gene. It does not directly change the encoded amino acid sequence of the TNFAIP3 protein. It affects a nucleotide within the consensus splice site. This variant is not present in population databases (gnomAD no frequency). This variant has not been reported in the literature in individuals affected with TNFAIP3-related conditions. Variants that disrupt the consensus splice site are a relatively common cause of aberrant splicing (PMID: 17576681, 9536098). Algorithms developed to predict the effect of sequence changes on RNA splicing suggest that this variant is not likely to affect RNA splicing. In summary, the available evidence is currently insufficient to determine the role of this variant in disease. Therefore, it has been classified as a Variant of Uncertain Significance.

Literature cited by the submitters: PubMed 17576681; PubMed 9536098.